The following is an entry in ClinVar:

NM_001903.5(CTNNA1):c.952T>C (p.Leu318=)

Gene: CTNNA1 (catenin alpha 1; plus strand). Cytogenetic location: 5q31.2.
Variant type: single nucleotide variant.
Coding change: c.952T>C on transcript NM_001903.5 (MANE Select); coding-DNA position 952, T replaced by C.
Protein change: p.Leu318=; no amino-acid change (leucine 318 retained).
Molecular consequence: synonymous variant.
Genome position (GRCh38, 1-based): chr5:138,827,608, T>C. VCF-style: chr5-138827608-T-C. GRCh37 (hg19) VCF-style: chr5-138163297-T-C.
Other names: c.952T>C, p.Leu318= (NM_001290307.3, NM_001323982.2, NM_001323983.1 and 3 more transcripts); c.643T>C, p.Leu215= (NM_001290309.3); c.583T>C, p.Leu195= (NM_001290310.3).
Identifiers: ClinVar variation 756380 (VCV000756380.12), dbSNP rs1581178417, ClinGen allele CA446595448.

ClinVar aggregate classification (germline): Benign/Likely benign. Review status: criteria provided, multiple submitters, no conflicts (2 of 4 stars). 3 submissions from 3 submitters: Benign (1); Likely benign (2). Last evaluated 2024-10-10.

Conditions:
Hereditary cancer-predisposing syndrome. Also called: Tumor predisposition; Hereditary Cancer Syndrome; Neoplastic Syndromes, Hereditary; Hereditary neoplastic syndrome. Identifiers: Orphanet 140162, MedGen C0027672, MeSH D009386, MONDO:0015356.
Hereditary diffuse gastric adenocarcinoma (HDGC). Also called: DIFFUSE GASTRIC AND LOBULAR BREAST CANCER SYNDROME. Identifiers: Orphanet 26106, MedGen C1708349, MONDO:0007648, OMIM 137215.

Allele frequency attached by ClinVar (database versions not stated): TOPMed 0.00001.

Submissions (3):

Myriad Genetics, Inc.
Classification: Benign for Hereditary diffuse gastric adenocarcinoma. Last evaluated: 2024-10-10. Review status: criteria provided, single submitter. Criteria: Myriad Autosomal Dominant, Autosomal Recessive and X-Linked Classification Criteria (2023). Collection method: clinical testing. Allele origin: unknown.
Comment: This variant is considered benign. This variant is a silent/synonymous amino acid change and it is not expected to impact splicing.

Ambry Genetics
Classification: Likely benign for Hereditary cancer-predisposing syndrome. Last evaluated: 2022-08-22. Review status: criteria provided, single submitter. Criteria: Ambry Variant Classification Scheme 2023. Collection method: clinical testing. Allele origin: germline.

Labcorp Genetics (formerly Invitae), Labcorp
Classification: Likely benign. Last evaluated: 2022-08-10. Review status: criteria provided, single submitter. Criteria: Invitae Variant Classification Sherloc (09022015). Collection method: clinical testing. Allele origin: germline.